The following is an entry in ClinVar:

NM_021956.5(GRIK2):c.968T>C (p.Met323Thr)

Gene: GRIK2 (glutamate ionotropic receptor kainate type subunit 2; plus strand). Cytogenetic location: 6q16.3.
Variant type: single nucleotide variant.
Coding change: c.968T>C on transcript NM_021956.5 (MANE Select); coding-DNA position 968, T replaced by C.
Protein change: p.Met323Thr; replaces methionine 323 with threonine.
Molecular consequence: missense variant.
Genome position (GRCh38, 1-based): chr6:101,799,664, T>C. VCF-style: chr6-101799664-T-C. GRCh37 (hg19) VCF-style: chr6-102247539-T-C.
Other names: c.968T>C, p.Met323Thr (NM_001166247.1, NM_175768.3); short protein forms M323T.
Identifiers: ClinVar variation 3025342 (VCV003025342.22), dbSNP rs749094096, ClinGen allele CA3939470.

ClinVar aggregate classification (germline): Uncertain significance (1 of 4 stars; one submission).

Allele frequency attached by ClinVar (database versions not stated): ExAC 0.00002; gnomAD exomes 0.00003; TOPMed 0.00003; gnomAD 0.00007.
gnomAD v4.1: 46 of 1,612,828 alleles (0.0029%); highest among the groups gnomAD compares: Non-Finnish European, 0.0039%; no homozygotes.

Submission:

CeGaT Center for Human Genetics Tuebingen
Classification: Uncertain significance. Last evaluated: 2024-01-01. Review status: criteria provided, single submitter. Criteria: CeGaT Center For Human Genetics Tuebingen Variant Classification Criteria Version 2. Collection method: clinical testing. Allele origin: germline. Affected: yes. Observed: 1 variant allele.
Comment: GRIK2: PM2